The following is an entry in ClinVar:

NM_001354483.2(CSGALNACT1):c.76_77del (p.Ile26fs)

Gene: CSGALNACT1 (chondroitin sulfate N-acetylgalactosaminyltransferase 1; minus strand). Cytogenetic location: 8p21.3.
Variant type: Deletion.
Coding change: c.76_77del on transcript NM_001354483.2 (MANE Select); coding-DNA positions 76 to 77, 2 bases deleted (AT; older notation c.76_77delAT).
Protein change: p.Ile26fs; shifts the reading frame from isoleucine 26.
Molecular consequence: frameshift variant. On other transcripts: non-coding transcript variant (7).
Genome position (GRCh38, 1-based): chr8:19,505,758-19,505,759, AT deleted on the plus strand (AT on the coding strand, the reverse complement: CSGALNACT1 is on the minus strand); deleting any 2 consecutive bases within chr8:19,505,758-19,505,760 gives the same sequence; the c. name uses the placement nearest the transcript's 3' end. VCF-style (leftmost placement, unchanged base first): chr8-19505757-GAT-G. GRCh37 (hg19) VCF-style: chr8-19363268-GAT-G.
Other names: c.76_77del, p.Ile26fs (NM_001130518.2, NM_001354475.2, NM_001354476.2 and 18 more transcripts); short protein forms I26fs.
Identifiers: ClinVar variation 1376713 (VCV001376713.6), dbSNP rs1356871588, ClinGen allele CA849565631.
Genomic context (GRCh38, chr8:19,505,757, plus strand): 5'-GGGCAGTGCCAGCTGCTCCTCGTCACCTTTTGGGGTGCAGGCCAACATGTACAGGACAGA[GAT>G]AGCACAGCAGAGGAGCACCAGCAAAACCACCACCCGGGAAATCCACGCAAGCAGCCCCCG-3'

ClinVar aggregate classification (germline): Pathogenic (1 of 4 stars; one submission).

Submission:

Labcorp Genetics (formerly Invitae), Labcorp
Classification: Pathogenic. Last evaluated: 2022-06-13. Review status: criteria provided, single submitter. Criteria: Invitae Variant Classification Sherloc (09022015). Collection method: clinical testing. Allele origin: germline.
Comment: For these reasons, this variant has been classified as Pathogenic. This variant has not been reported in the literature in individuals affected with CSGALNACT1-related conditions. This variant is not present in population databases (gnomAD no frequency). This sequence change creates a premature translational stop signal (p.Ile26Leufs*13) in the CSGALNACT1 gene. It is expected to result in an absent or disrupted protein product. Loss-of-function variants in CSGALNACT1 are known to be pathogenic (PMID: 21148564, 27599773, 31325655).

Literature cited by the submitters: PubMed 21148564; PubMed 27599773; PubMed 31325655.